The following is an entry in ClinVar:

NM_001080477.4(TENM3):c.5805A>G (p.Leu1935=)

Gene: TENM3 (teneurin transmembrane protein 3; plus strand). Cytogenetic location: 4q35.1.
Variant type: single nucleotide variant.
Coding change: c.5805A>G on transcript NM_001080477.4 (MANE Select); coding-DNA position 5805, A replaced by G.
Protein change: p.Leu1935=; no amino-acid change (leucine 1935 retained).
Molecular consequence: synonymous variant.
Genome position (GRCh38, 1-based): chr4:182,792,477, A>G. VCF-style: chr4-182792477-A-G. GRCh37 (hg19) VCF-style: chr4-183713630-A-G.
Identifiers: ClinVar variation 677236 (VCV000677236.10), dbSNP rs6857162, ClinGen allele CA3148720.

ClinVar aggregate classification (germline): Benign. Review status: criteria provided, multiple submitters, no conflicts (2 of 4 stars). 3 submissions from 3 submitters: Benign (3). Last evaluated 2026-02-02.

Allele frequency attached by ClinVar (database versions not stated): 1000 Genomes Project 30x 0.12071; TOPMed 0.12223; ExAC 0.11908; gnomAD 0.12583 and 0.12514; ESP Exome Variant Server 0.11242; 1000 Genomes Project 0.11661; gnomAD exomes 0.11791 and 0.12267.
gnomAD v4.1: 190,948 of 1,613,998 alleles (12%); highest among the groups gnomAD compares: Admixed American, 18%; 11,657 homozygotes.

Submissions (3):

Labcorp Genetics (formerly Invitae), Labcorp
Classification: Benign. Last evaluated: 2026-02-02. Review status: criteria provided, single submitter. Criteria: Invitae Variant Classification Sherloc (09022015). Collection method: clinical testing. Allele origin: germline.

GeneDx
Classification: Benign. Last evaluated: 2018-06-08. Review status: criteria provided, single submitter. Criteria: GeneDx Variant Classification (06012015). Collection method: clinical testing. Allele origin: germline. Affected: yes.
Comment: This variant is considered likely benign or benign based on one or more of the following criteria: it is a conservative change, it occurs at a poorly conserved position in the protein, it is predicted to be benign by multiple in silico algorithms, and/or has population frequency not consistent with disease.

Breakthrough Genomics
Classification: Benign. Review status: criteria provided, single submitter. Criteria: ACMG Guidelines, 2015. Collection method: not provided. Allele origin: germline. Inheritance: Autosomal recessive inheritance. Affected: yes.